The following is an entry in ClinVar:

NM_004629.2(FANCG):c.953C>T (p.Ala318Val)

Gene: FANCG (FA complementation group G; minus strand). Cytogenetic location: 9p13.3.
Variant type: single nucleotide variant.
Coding change: c.953C>T on transcript NM_004629.2 (MANE Select); coding-DNA position 953, C replaced by T.
Protein change: p.Ala318Val; replaces alanine 318 with valine.
Molecular consequence: missense variant.
Genome position (GRCh38, 1-based): chr9:35,076,555, G>A on the plus strand (C>T on the coding strand, the complement: FANCG is on the minus strand). VCF-style: chr9-35076555-G-A. GRCh37 (hg19) VCF-style: chr9-35076552-G-A.
Other names: short protein forms A318V.
Identifiers: ClinVar variation 4870977 (VCV004870977.1).
Genomic context (GRCh38, chr9:35,076,555, plus strand): 5'-AGGGGTGAGGCTAGGTCAGGTGGTGGCAGTAGTAATTCTACCTCAATGAGAAACTGCGGG[G>A]CTTTGGAACTGCATGGGACATTCAAGGCCTAAAAGAGAAAGAAAAAAATTGTATCTATAA-3'
Protein context (NP_004620.1, residues 308-328): EALNVPCSSK[Ala318Val]PQFLIEVELL

ClinVar aggregate classification (germline): Uncertain significance (1 of 4 stars; one submission).

Conditions:
Inborn genetic diseases. Identifiers: MedGen C0950123, MeSH D030342.

Submission:

Ambry Genetics
Classification: Uncertain significance for Inborn genetic diseases. Last evaluated: 2026-03-24. Review status: criteria provided, single submitter. Criteria: Ambry Variant Classification Scheme 2023. Collection method: clinical testing. Allele origin: germline.
Comment: The p.A318V variant (also known as c.953C>T), located in coding exon 8 of the FANCG gene, results from a C to T substitution at nucleotide position 953. The alanine at codon 318 is replaced by valine, an amino acid with similar properties. This amino acid position is conserved. In addition, this alteration is predicted to be tolerated by in silico analysis. Based on the available evidence, the clinical significance of this variant remains unclear.